The following is an entry in ClinVar:

NM_005235.3(ERBB4):c.1997T>C (p.Ile666Thr)

Gene: ERBB4 (erb-b2 receptor tyrosine kinase 4; minus strand). Cytogenetic location: 2q34.
Variant type: single nucleotide variant.
Coding change: c.1997T>C on transcript NM_005235.3 (MANE Select); coding-DNA position 1997, T replaced by C.
Protein change: p.Ile666Thr; replaces isoleucine 666 with threonine.
Molecular consequence: missense variant.
Genome position (GRCh38, 1-based): chr2:211,630,544, A>G on the plus strand (T>C on the coding strand, the complement: ERBB4 is on the minus strand). VCF-style: chr2-211630544-A-G. GRCh37 (hg19) VCF-style: chr2-212495269-A-G.
Other names: c.1997T>C, p.Ile666Thr (NM_001042599.2); short protein forms I666T.
Identifiers: ClinVar variation 2634526 (VCV002634526.4), dbSNP rs763212392, ClinGen allele CA2087889.

ClinVar aggregate classification (germline): Uncertain significance. Review status: criteria provided, multiple submitters, no conflicts (2 of 4 stars). 2 submissions from 2 submitters: Uncertain significance (2). Last evaluated 2024-10-24.

Conditions:
ERBB4-related disorder. Also called: ERBB4-related condition.

Allele frequency attached by ClinVar (database versions not stated): gnomAD exomes below 0.00001; ExAC 0.00001; gnomAD 0.00003; TOPMed 0.00005.
gnomAD v4.1: 12 of 1,613,706 alleles (0.00074%); highest among the groups gnomAD compares: African/African-American, 0.0053%; no homozygotes.

Submissions (2):

Labcorp Genetics (formerly Invitae), Labcorp
Classification: Uncertain significance. Last evaluated: 2024-10-24. Review status: criteria provided, single submitter. Criteria: Invitae Variant Classification Sherloc (09022015). Collection method: clinical testing. Allele origin: germline.
Comment: This sequence change replaces isoleucine, which is neutral and non-polar, with threonine, which is neutral and polar, at codon 666 of the ERBB4 protein (p.Ile666Thr). This variant is present in population databases (rs763212392, gnomAD 0.006%). This missense change has been observed in individuals with clinical features of amyotrophic lateral sclerosis (PMID: 28889094; internal data). ClinVar contains an entry for this variant (Variation ID: 2634526). Invitae Evidence Modeling of protein sequence and biophysical properties (such as structural, functional, and spatial information, amino acid conservation, physicochemical variation, residue mobility, and thermodynamic stability) indicates that this missense variant is not expected to disrupt ERBB4 protein function with a negative predictive value of 80%. In summary, the available evidence is currently insufficient to determine the role of this variant in disease. Therefore, it has been classified as a Variant of Uncertain Significance.

PreventionGenetics, part of Exact Sciences
Classification: Uncertain significance for ERBB4-related condition. Last evaluated: 2023-04-19. Review status: criteria provided, single submitter. Criteria: ACMG Guidelines, 2015. Collection method: clinical testing. Allele origin: germline.
Comment: The ERBB4 c.1997T>C variant is predicted to result in the amino acid substitution p.Ile666Thr. This variant was reported in an individual with frontotemporal dementia (Dols-Icardo et al 2018. PubMed ID: 28889094). This variant is reported in 0.0058% of alleles in individuals of Latino descent in gnomAD. At this time, the clinical significance of this variant is uncertain due to the absence of conclusive functional and genetic evidence.

Literature cited by the submitters: PubMed 28889094 (cited by Labcorp Genetics (formerly Invitae), Labcorp).